The following is an entry in ClinVar:

ClinVar aggregate classification (germline): Benign/Likely benign. Review status: criteria provided, multiple submitters, no conflicts (2 of 4 stars). 16 submissions from 16 submitters: Benign (11); Likely benign (3). 2 of the submissions do not count toward it. Last evaluated 2026-09-01.

Conditions:
Ehlers-Danlos syndrome, classic type, 1 (EDSCL1). Also called: EHLERS-DANLOS SYNDROME, GRAVIS TYPE; EHLERS-DANLOS SYNDROME, SEVERE CLASSIC TYPE; EDS I; Ehlers-Danlos syndrome, type 1; Ehlers-Danlos Syndrome, Classic Type, COL5A1-Related. Identifiers: MedGen C0268335, MONDO:0019567, OMIM 130000.
Ehlers-Danlos syndrome, classic type, 2 (EDSCL2). Also called: Ehlers-Danlos syndrome, type 2; Ehlers-Danlos syndrome type 2 (formerly); Ehlers-Danlos Syndrome, Classic Type, COL5A2-Related. Identifiers: Orphanet 287, Orphanet 90318, MedGen C0268336, MONDO:0019568, OMIM 130010.
Ehlers-Danlos syndrome (EDS). Identifiers: Orphanet 98249, MedGen C0013720, MONDO:0020066.
Ehlers-Danlos syndrome, classic type (cEDS). Identifiers: Orphanet 287, MedGen C4225429, MONDO:0007522.
Familial thoracic aortic aneurysm and aortic dissection (TAAD). Also called: Thoracic aortic aneurysms and dissections. Identifiers: Orphanet 91387, MedGen C4707243, MONDO:0019625.

Allele frequency attached by ClinVar (database versions not stated): 1000 Genomes Project 30x 0.00843; 1000 Genomes Project 0.00919; TOPMed 0.01421; gnomAD 0.01471 and 0.01542; ESP Exome Variant Server 0.01538; gnomAD exomes 0.01701 and 0.02104; ExAC 0.01766.
gnomAD v4.1: 32,930 of 1,613,182 alleles (2%); highest among the groups gnomAD compares: Non-Finnish European, 2.2%; 426 homozygotes.

Submissions (16):

CeGaT Center for Human Genetics Tuebingen
Classification: Benign. Last evaluated: 2026-09-01. Review status: criteria provided, single submitter. Criteria: CeGaT Center For Human Genetics Tuebingen Variant Classification Criteria Version 2. Collection method: clinical testing. Allele origin: germline. Affected: yes. Observed: 74 variant alleles.
Comment: COL5A2: PP2, BS1, BS2

Labcorp Genetics (formerly Invitae), Labcorp
Classification: Benign for Ehlers-Danlos syndrome, classic type, 1. Last evaluated: 2026-02-04. Review status: criteria provided, single submitter. Criteria: Invitae Variant Classification Sherloc (09022015). Collection method: clinical testing. Allele origin: germline.

ARUP Laboratories, Molecular Genetics and Genomics, ARUP Laboratories
Classification: Benign for Ehlers-Danlos syndrome, classic type, 2. Last evaluated: 2025-05-09. Review status: criteria provided, single submitter. Criteria: ARUP Molecular Germline Variant Investigation Process 2024. Collection method: clinical testing. Allele origin: germline.

Molecular Diagnostic Laboratory for Inherited Cardiovascular Disease, Montreal Heart Institute
Classification: Likely benign. Last evaluated: 2025-04-09. Review status: criteria provided, single submitter. Criteria: ACMG Guidelines, 2015. Collection method: clinical testing. Allele origin: germline. Affected: no.
Comment: BS1;BP6

Blueprint Genetics
Classification: Benign. Last evaluated: 2024-11-26. Review status: criteria provided, single submitter. Criteria: ACMG Guidelines, 2015. Collection method: clinical testing. Allele origin: germline.

Women's Health and Genetics/Laboratory Corporation of America, LabCorp
Classification: Likely benign. Last evaluated: 2023-07-21. Review status: criteria provided, single submitter. Criteria: LabCorp Variant Classification Summary - May 2015. Collection method: clinical testing. Allele origin: germline.

Molecular Genetics, Royal Melbourne Hospital
Classification: Benign for Ehlers-Danlos syndrome, classic type. Last evaluated: 2023-06-15. Review status: criteria provided, single submitter. Criteria: ACMG Guidelines, 2015. Collection method: clinical testing. Allele origin: germline. Inheritance: Autosomal dominant inheritance. Affected: no.

Genome Diagnostics Laboratory, The Hospital for Sick Children
Classification: Benign for Ehlers-Danlos syndrome. Last evaluated: 2022-07-16. Review status: criteria provided, single submitter. Criteria: ACMG Guidelines, 2015. Collection method: clinical testing. Allele origin: germline.

Mayo Clinic Laboratories, Mayo Clinic
Classification: Benign. Last evaluated: 2018-01-26. Review status: criteria provided, single submitter. Criteria: ACMG Guidelines, 2015. Collection method: clinical testing. Allele origin: germline. Observed: 236 variant alleles.

Illumina Laboratory Services, Illumina
Classification: Benign for Ehlers-Danlos syndrome, classic type, 2. Last evaluated: 2018-01-12. Review status: criteria provided, single submitter. Criteria: ICSL Variant Classification Criteria 13 December 2019. Collection method: clinical testing. Allele origin: germline.
Comment: This variant was observed in the ICSL laboratory as part of a predisposition screen in an ostensibly healthy population. It had not been previously curated by ICSL or reported in the Human Gene Mutation Database (HGMD: prior to June 1st, 2018), and was therefore a candidate for classification through an automated scoring system. Utilizing variant allele frequency, disease prevalence and penetrance estimates, and inheritance mode, an automated score was calculated to assess if this variant is too frequent to cause the disease. Based on the score and internal cut-off values, a variant classified as benign is not then subjected to further curation. The score for this variant resulted in a classification of benign for this disease.

Ambry Genetics
Classification: Benign for Familial thoracic aortic aneurysm and aortic dissection. Last evaluated: 2015-03-03. Review status: criteria provided, single submitter. Criteria: Ambry Variant Classification Scheme 2023. Collection method: clinical testing. Allele origin: germline.

GeneDx
Classification: Benign. Last evaluated: 2012-12-11. Review status: criteria provided, single submitter. Criteria: GeneDx Variant Classification (06012015). Collection method: clinical testing. Allele origin: germline. Affected: yes.
Comment: This variant is considered likely benign or benign based on one or more of the following criteria: it is a conservative change, it occurs at a poorly conserved position in the protein, it is predicted to be benign by multiple in silico algorithms, and/or has population frequency not consistent with disease.

Breakthrough Genomics
Classification: Likely benign. Review status: criteria provided, single submitter. Criteria: ACMG Guidelines, 2015. Collection method: not provided. Allele origin: germline. Inheritance: Autosomal dominant inheritance. Affected: yes.

PreventionGenetics, part of Exact Sciences
Classification: Benign. Review status: criteria provided, single submitter. Criteria: ACMG Guidelines, 2015. Collection method: clinical testing. Allele origin: germline.

Genome Diagnostics Laboratory, Amsterdam University Medical Center
Classification: Benign. Review status: no assertion criteria provided. Collection method: clinical testing. Allele origin: germline. Affected: yes. Study: VKGL Data-share Consensus. Not counted in ClinVar's aggregate classification.

Genome Diagnostics Laboratory, University Medical Center Utrecht
Classification: Likely benign. Review status: no assertion criteria provided. Collection method: clinical testing. Allele origin: germline. Affected: yes. Study: VKGL Data-share Consensus. Not counted in ClinVar's aggregate classification.

NM_000393.5(COL5A2):c.2498C>T (p.Pro833Leu)

Gene: COL5A2 (collagen type V alpha 2 chain; minus strand). Cytogenetic location: 2q32.2.
Variant type: single nucleotide variant.
Coding change: c.2498C>T on transcript NM_000393.5 (MANE Select); coding-DNA position 2498, C replaced by T.
Protein change: p.Pro833Leu; replaces proline 833 with leucine.
Molecular consequence: missense variant.
Genome position (GRCh38, 1-based): chr2:189,053,896, G>A on the plus strand (C>T on the coding strand, the complement: COL5A2 is on the minus strand). VCF-style: chr2-189053896-G-A. GRCh37 (hg19) VCF-style: chr2-189918622-G-A.
Other names: p.P833L:CCT>CTT; c.2498C>T (NM_000393.4); short protein forms P833L.
Identifiers: ClinVar variation 136944 (VCV000136944.72), dbSNP rs116298748, ClinGen allele CA290380.